The following is an entry in ClinVar:

NM_207352.4(CYP4V2):c.240C>T (p.Tyr80=)

Gene: CYP4V2 (cytochrome P450 family 4 subfamily V member 2; plus strand). Cytogenetic location: 4q35.1.
Variant type: single nucleotide variant.
Coding change: c.240C>T on transcript NM_207352.4 (MANE Select); coding-DNA position 240, C replaced by T.
Protein change: p.Tyr80=; no amino-acid change (tyrosine 80 retained).
Molecular consequence: synonymous variant.
Genome position (GRCh38, 1-based): chr4:186,194,525, C>T. VCF-style: chr4-186194525-C-T. GRCh37 (hg19) VCF-style: chr4-187115679-C-T.
Other names: c.240C>T (NM_207352.3).
Identifiers: ClinVar variation 1126823 (VCV001126823.10), dbSNP rs138173968, ClinGen allele CA3162479.
Genomic context (GRCh38, chr4:186,194,525, plus strand): 5'-CTTGATTGAATTTCAAATTTGATGTTTTTCCCCAGAATTTTTTCAGCAGATCATTGAGTA[C>T]ACAGAGGAATACCGCCACATGCCGCTGCTGAAGCTCTGGGTCGGGCCAGTGCCCATGGTG-3'
Protein context (NP_997235.3, residues 70-90): GREFFQQIIE[Tyr80=]TEEYRHMPLL

ClinVar aggregate classification (germline): Likely benign. Review status: criteria provided, multiple submitters, no conflicts (2 of 4 stars). 2 submissions from 2 submitters: Likely benign (2). Last evaluated 2025-05-07.

Conditions:
CYP4V2-related disorder. Also called: CYP4V2-related condition; CYP4V2-related disorders.

Allele frequency attached by ClinVar (database versions not stated): gnomAD exomes 0.00003; ExAC 0.00005; gnomAD 0.00019 and 0.00020; 1000 Genomes Project 0.00020; TOPMed 0.00021; 1000 Genomes Project 30x 0.00031; ESP Exome Variant Server 0.00031.
gnomAD v4.1: 39 of 1,614,118 alleles (0.0024%); highest among the groups gnomAD compares: African/African-American, 0.045%; no homozygotes.

Submissions (2):

PreventionGenetics, part of Exact Sciences
Classification: Likely benign for CYP4V2-related condition. Last evaluated: 2025-05-07. Review status: criteria provided, single submitter. Criteria: ACMG Guidelines, 2015. Collection method: clinical testing. Allele origin: germline.
Comment: This variant is classified as likely benign based on ACMG/AMP sequence variant interpretation guidelines (Richards et al. 2015 PMID: 25741868, with internal and published modifications).

Labcorp Genetics (formerly Invitae), Labcorp
Classification: Likely benign. Last evaluated: 2023-12-04. Review status: criteria provided, single submitter. Criteria: Invitae Variant Classification Sherloc (09022015). Collection method: clinical testing. Allele origin: germline.